The following is an entry in ClinVar:

ClinVar aggregate classification (germline): Uncertain significance (1 of 4 stars; one submission).

Conditions:
Developmental delay, impaired growth, dysmorphic facies, and axonal neuropathy. Identifiers: MedGen C5436781, MONDO:0030835, OMIM 619090.

Submission:

Laboratory of Medical Genetics, National & Kapodistrian University of Athens
Classification: Uncertain significance for Developmental delay, impaired growth, dysmorphic facies, and axonal neuropathy. Last evaluated: 2022-03-08. Review status: criteria provided, single submitter. Criteria: ACMG Guidelines, 2015. Collection method: clinical testing. Allele origin: maternal. Affected: yes.
Comment: PM2, PP3

NM_024528.4(NKAP):c.370G>A (p.Glu124Lys)

Gene: NKAP (NFKB activating protein; minus strand). Cytogenetic location: Xq24.
Variant type: single nucleotide variant.
Coding change: c.370G>A on transcript NM_024528.4 (MANE Select); coding-DNA position 370, G replaced by A.
Protein change: p.Glu124Lys; replaces glutamic acid 124 with lysine.
Molecular consequence: missense variant.
Genome position (GRCh38, 1-based): chrX:119,943,236, C>T on the plus strand (G>A on the coding strand, the complement: NKAP is on the minus strand). VCF-style: chrX-119943236-C-T. GRCh37 (hg19) VCF-style: chrX-119077199-C-T.
Other names: short protein forms E124K.
Identifiers: ClinVar variation 1708087 (VCV001708087.1), dbSNP rs2521709809, ClinGen allele CA414188905.